The following is an entry in ClinVar:

ClinVar aggregate classification (germline): Uncertain significance (1 of 4 stars; one submission).

Submission:

Labcorp Genetics (formerly Invitae), Labcorp
Classification: Uncertain significance. Last evaluated: 2024-12-16. Review status: criteria provided, single submitter. Criteria: Invitae Variant Classification Sherloc (09022015). Collection method: clinical testing. Allele origin: germline.
Comment: This sequence change replaces valine, which is neutral and non-polar, with leucine, which is neutral and non-polar, at codon 434 of the RBP3 protein (p.Val434Leu). This variant is not present in population databases (gnomAD no frequency). This variant has not been reported in the literature in individuals affected with RBP3-related conditions. ClinVar contains an entry for this variant (Variation ID: 1047430). An algorithm developed to predict the effect of missense changes on protein structure and function (PolyPhen-2) suggests that this variant is likely to be disruptive. In summary, the available evidence is currently insufficient to determine the role of this variant in disease. Therefore, it has been classified as a Variant of Uncertain Significance.

NM_002900.3(RBP3):c.1300G>C (p.Val434Leu)

Gene: RBP3 (retinol binding protein 3; plus strand). Cytogenetic location: 10q11.22.
Variant type: single nucleotide variant.
Coding change: c.1300G>C on transcript NM_002900.3 (MANE Select); coding-DNA position 1300, G replaced by C.
Protein change: p.Val434Leu; replaces valine 434 with leucine.
Molecular consequence: missense variant.
Genome position (GRCh38, 1-based): chr10:47,349,784, G>C. VCF-style: chr10-47349784-G-C. GRCh37 (hg19) VCF-style: chr10-48389578-C-G.
Other names: short protein forms V434L.
Identifiers: ClinVar variation 1047430 (VCV001047430.8), dbSNP rs1836928491, ClinGen allele CA376669270.